The following is an entry in ClinVar:

ClinVar aggregate classification (germline): Uncertain significance. Review status: criteria provided, multiple submitters, no conflicts (2 of 4 stars). 3 submissions from 3 submitters: Uncertain significance (3). Last evaluated 2024-06-20.

Conditions:
Inborn genetic diseases. Identifiers: MedGen C0950123, MeSH D030342.
Finnish type amyloidosis. Also called: Amyloidosis, familial, Finnish type; Meretoja type amyloidosis; Amyloidosis 5; AMYLOIDOSIS, HEREDITARY SYSTEMIC 4, FINNISH TYPE; AMYLOID CRANIAL NEUROPATHY WITH LATTICE CORNEAL DYSTROPHY; AMYLOIDOSIS DUE TO MUTANT GELSOLIN. Identifiers: Orphanet 85448, MedGen C1622345, MONDO:0007097, OMIM 105120.

Allele frequency attached by ClinVar (database versions not stated): TOPMed 0.00002; gnomAD 0.00003; gnomAD exomes 0.00005; ExAC 0.00007; ESP Exome Variant Server 0.00008.
gnomAD v4.1: 44 of 1,613,964 alleles (0.0027%); highest among the groups gnomAD compares: South Asian, 0.0066%; no homozygotes.

Submissions (3):

Fulgent Genetics
Classification: Uncertain significance for Finnish type amyloidosis. Last evaluated: 2024-06-20. Review status: criteria provided, single submitter. Criteria: ACMG Guidelines, 2015. Collection method: clinical testing. Allele origin: germline.

Labcorp Genetics (formerly Invitae), Labcorp
Classification: Uncertain significance. Last evaluated: 2024-04-09. Review status: criteria provided, single submitter. Criteria: Invitae Variant Classification Sherloc (09022015). Collection method: clinical testing. Allele origin: germline.
Comment: This sequence change replaces glutamic acid, which is acidic and polar, with lysine, which is basic and polar, at codon 453 of the GSN protein (p.Glu453Lys). This variant is present in population databases (rs368079865, gnomAD 0.01%). This variant has not been reported in the literature in individuals affected with GSN-related conditions. ClinVar contains an entry for this variant (Variation ID: 1346120). Advanced modeling of protein sequence and biophysical properties (such as structural, functional, and spatial information, amino acid conservation, physicochemical variation, residue mobility, and thermodynamic stability) performed at Invitae indicates that this missense variant is not expected to disrupt GSN protein function with a negative predictive value of 80%. In summary, the available evidence is currently insufficient to determine the role of this variant in disease. Therefore, it has been classified as a Variant of Uncertain Significance.

Ambry Genetics
Classification: Uncertain significance for Inborn genetic diseases. Last evaluated: 2020-10-13. Review status: criteria provided, single submitter. Criteria: Ambry Variant Classification Scheme 2023. Collection method: clinical testing. Allele origin: germline.
Comment: The p.E453K variant (also known as c.1357G>A), located in coding exon 10 of the GSN gene, results from a G to A substitution at nucleotide position 1357. The glutamic acid at codon 453 is replaced by lysine, an amino acid with similar properties. This amino acid position is highly conserved in available vertebrate species. In addition, the in silico prediction for this alteration is inconclusive. Since supporting evidence is limited at this time, the clinical significance of this alteration remains unclear.

NM_198252.3(GSN):c.1204G>A (p.Glu402Lys)

Gene: GSN (gelsolin; plus strand). Cytogenetic location: 9q33.2.
Variant type: single nucleotide variant.
Coding change: c.1204G>A on transcript NM_198252.3 (MANE Select); coding-DNA position 1204, G replaced by A.
Protein change: p.Glu402Lys; replaces glutamic acid 402 with lysine.
Molecular consequence: missense variant.
Genome position (GRCh38, 1-based): chr9:121,321,280, G>A. VCF-style: chr9-121321280-G-A. GRCh37 (hg19) VCF-style: chr9-124083558-G-A.
Other names: c.1357G>A, p.Glu453Lys (NM_000177.5); c.1204G>A, p.Glu402Lys (NM_001127662.2, NM_001127664.2, NM_001127665.2 and 10 more transcripts); c.1312G>A, p.Glu438Lys (NM_001127663.2); c.1237G>A, p.Glu413Lys (NM_001127666.2, NM_001127667.2, NM_001353063.2 and 13 more transcripts); c.1255G>A, p.Glu419Lys (NM_001258029.2); c.1228G>A, p.Glu410Lys (NM_001258030.2); c.1276G>A, p.Glu426Lys (NM_001353076.2); c.550G>A, p.Glu184Lys (NM_001353078.2); short protein forms E413K, E453K, E402K, E419K, E438K, E184K, E410K, E426K.
Identifiers: ClinVar variation 1346120 (VCV001346120.10), dbSNP rs368079865, ClinGen allele CA5221190.